The following is an entry in ClinVar:

NM_005591.4(MRE11):c.2050G>A (p.Val684Ile)

Gene: MRE11 (MRE11 double strand break repair nuclease; minus strand). Cytogenetic location: 11q21.
Variant type: single nucleotide variant.
Coding change: c.2050G>A on transcript NM_005591.4 (MANE Select); coding-DNA position 2050, G replaced by A.
Protein change: p.Val684Ile; replaces valine 684 with isoleucine.
Molecular consequence: missense variant.
Genome position (GRCh38, 1-based): chr11:94,429,931, C>T on the plus strand (G>A on the coding strand, the complement: MRE11 is on the minus strand). VCF-style: chr11-94429931-C-T. GRCh37 (hg19) VCF-style: chr11-94163097-C-T.
Other names: c.2047G>A, p.Val683Ile (NM_001330347.2); c.1966G>A, p.Val656Ile (NM_005590.4); short protein forms V684I, V656I, V683I.
Identifiers: ClinVar variation 485820 (VCV000485820.7), dbSNP rs765958437, ClinGen allele CA6234911.
Genomic context (GRCh38, chr11:94,429,931, plus strand): 5'-GTTAAAAATTAATTAAAATTTAACAATATTACTTATTTACCTCACTTGATTCAAAATCAA[C>T]CCCTTTCGATACTTGACTCTGGGACATGATTTTGCTGGATGATGTGCTGGACCACCTGAG-3'
Protein context (NP_005582.1, residues 674-694): IMSQSQVSKG[Val684Ile]DFESSEDDDD

ClinVar aggregate classification (germline): Uncertain significance (1 of 4 stars; one submission).

Conditions:
Hereditary cancer-predisposing syndrome. Also called: Tumor predisposition; Hereditary Cancer Syndrome; Hereditary neoplastic syndrome; Neoplastic Syndromes, Hereditary. Identifiers: Orphanet 140162, MedGen C0027672, MeSH D009386, MONDO:0015356.

gnomAD v4.1: 3 of 1,613,616 alleles (0.00019%); highest among the groups gnomAD compares: Non-Finnish European, 0.00025%; no homozygotes.

Submission:

Ambry Genetics
Classification: Uncertain significance for Hereditary cancer-predisposing syndrome. Last evaluated: 2025-06-20. Review status: criteria provided, single submitter. Criteria: Ambry Variant Classification Scheme 2023. Collection method: clinical testing. Allele origin: germline.
Comment: The p.V684I variant (also known as c.2050G>A), located in coding exon 18 of the MRE11A gene, results from a G to A substitution at nucleotide position 2050. The valine at codon 684 is replaced by isoleucine, an amino acid with highly similar properties. This amino acid position is highly conserved in available vertebrate species. In addition, this alteration is predicted to be tolerated by in silico analysis. Since supporting evidence is limited at this time, the clinical significance of this alteration remains unclear.